The following is an entry in ClinVar:

NM_017780.4(CHD7):c.6293G>A (p.Arg2098Gln)

Gene: CHD7 (chromodomain helicase DNA binding protein 7; plus strand). Cytogenetic location: 8q12.2.
Variant type: single nucleotide variant.
Coding change: c.6293G>A on transcript NM_017780.4 (MANE Select); coding-DNA position 6293, G replaced by A.
Protein change: p.Arg2098Gln; replaces arginine 2098 with glutamine.
Molecular consequence: missense variant. On other transcripts: intron variant (1).
Genome position (GRCh38, 1-based): chr8:60,853,018, G>A. VCF-style: chr8-60853018-G-A. GRCh37 (hg19) VCF-style: chr8-61765577-G-A.
Other names: c.1717-9211G>A (NM_001316690.1); c.6293G>A (NM_017780.2); short protein forms R2098Q.
Identifiers: ClinVar variation 1014646 (VCV001014646.36), dbSNP rs375199214, ClinGen allele CA4760567.

ClinVar aggregate classification (germline): Conflicting classifications of pathogenicity. Review status: criteria provided, conflicting classifications (1 of 4 stars). 6 submissions from 6 submitters: Uncertain significance (2); Benign (1); Likely benign (3). Last evaluated 2026-03-24.

Conditions:
Hearing impairment. Also called: Impaired Hearing. Identifiers: MedGen C1384666, MONDO:0005365, HP:0000365.
Inborn genetic diseases. Identifiers: MedGen C0950123, MeSH D030342.
Hypogonadotropic hypogonadism 5 with or without anosmia (KAL5). Also called: HYPOGONADOTROPIC HYPOGONADISM 5 WITH ANOSMIA; HYPOGONADOTROPHIC HYPOGONADISM 5 WITHOUT ANOSMIA; CHD7-Related GnRH Deficiency (Kallmann Syndrome 5). Identifiers: Orphanet 478, MedGen C3552553, MONDO:0012880, OMIM 612370. Disease mechanism: loss of function.
CHARGE syndrome (CHARGE). Also called: Hittner Hirsch Kreh syndrome; Coloboma, heart anomaly, choanal atresia, retardation, genital and ear anomalies; CHARGE association; Hall-Hittner syndrome; CHARGE ASSOCIATION--COLOBOMA, HEART ANOMALY, CHOANAL ATRESIA, RETARDATION, GENITAL AND EAR ANOMALIES. Identifiers: Orphanet 138, MedGen C0265354, MONDO:0008965.

Allele frequency attached by ClinVar (database versions not stated): gnomAD exomes 0.00001 and 0.00004; ExAC 0.00004; gnomAD 0.00004; TOPMed 0.00005; ESP Exome Variant Server 0.00008; 1000 Genomes Project 30x 0.00016; 1000 Genomes Project 0.00020.
gnomAD v4.1: 28 of 1,613,996 alleles (0.0017%); highest among the groups gnomAD compares: African/African-American, 0.012%; no homozygotes.

Submissions (6):

Ambry Genetics
Classification: Likely benign for Inborn genetic diseases. Last evaluated: 2026-03-24. Review status: criteria provided, single submitter. Criteria: Ambry Variant Classification Scheme 2023. Collection method: clinical testing. Allele origin: germline.

Labcorp Genetics (formerly Invitae), Labcorp
Classification: Benign for CHARGE syndrome. Last evaluated: 2025-04-11. Review status: criteria provided, single submitter. Criteria: Invitae Variant Classification Sherloc (09022015). Collection method: clinical testing. Allele origin: germline.

CeGaT Center for Human Genetics Tuebingen
Classification: Likely benign. Last evaluated: 2024-06-01. Review status: criteria provided, single submitter. Criteria: CeGaT Center For Human Genetics Tuebingen Variant Classification Criteria Version 2. Collection method: clinical testing. Allele origin: germline. Affected: yes. Observed: 1 variant allele.
Comment: CHD7: BP4

GeneDx
Classification: Uncertain significance. Last evaluated: 2024-05-06. Review status: criteria provided, single submitter. Criteria: GeneDx Variant Classification Process June 2021. Collection method: clinical testing. Allele origin: germline. Affected: yes.
Comment: Identified in a patient with hearing loss in published literature; however, clinical information is limited (PMID: 34753855); Identified in a patient with Kallmann syndrome in published literature; however, a variant was also present in another associated gene (PMID: 33548149); In silico analysis supports that this missense variant has a deleterious effect on protein structure/function; This variant is associated with the following publications: (PMID: 34753855, 33548149)

Fulgent Genetics
Classification: Likely benign for CHD7-related CHARGE syndrome; Hypogonadotropic hypogonadism 5 with or without anosmia. Last evaluated: 2024-03-02. Review status: criteria provided, single submitter. Criteria: ACMG Guidelines, 2015. Collection method: clinical testing. Allele origin: germline.

Department of Otolaryngology – Head & Neck Surgery, Cochlear Implant Center
Classification: Uncertain significance for Hearing impairment. Last evaluated: 2021-04-12. Review status: criteria provided, single submitter. Criteria: ClinGen HL ACMG Specifications v1. Collection method: clinical testing. Allele origin: germline. Affected: yes.
Comment: PP3_Supporting, BS2_Strong